The following is an entry in ClinVar:

ClinVar aggregate classification (germline): Uncertain significance (1 of 4 stars; one submission).

Conditions:
Heterotopia, periventricular, X-linked dominant (PVNH1). Also called: PERIVENTRICULAR NODULAR HETEROTOPIA 1; X-linked periventricular heterotopia; PERIVENTRICULAR NODULAR HETEROTOPIA 4; HETEROTOPIA, PERIVENTRICULAR, 1. Identifiers: Orphanet 2149, Orphanet 82004, MedGen C1848213, MONDO:0010233, OMIM 300049.
Oto-palato-digital syndrome, type II (OPD2). Also called: OPD II SYNDROME; FACIOPALATOOSSEOUS SYNDROME; Otopalatodigital Syndrome Type 2 (FLNA-OPD2); Otopalatodigital Syndrome, Type II. Identifiers: Orphanet 669, Orphanet 90652, MedGen C1844696, MONDO:0010571, OMIM 304120.
Frontometaphyseal dysplasia (FMD1). Identifiers: Orphanet 1826, MedGen C0265293, MONDO:0015942.
Melnick-Needles syndrome (MNS). Also called: MELNICK-NEEDLES OSTEODYSPLASTY; OSTEODYSPLASTY OF MELNICK AND NEEDLES; Melnick-Needles Syndrome (FLNA-MNS). Identifiers: Orphanet 2484, MedGen C0025237, MONDO:0010650, OMIM 309350.

Submission:

Labcorp Genetics (formerly Invitae), Labcorp
Classification: Uncertain significance for Oto-palato-digital syndrome, type II; Heterotopia, periventricular, X-linked dominant; Frontometaphyseal dysplasia; Melnick-Needles syndrome. Last evaluated: 2019-05-31. Review status: criteria provided, single submitter. Criteria: Invitae Variant Classification Sherloc (09022015). Collection method: clinical testing. Allele origin: germline.
Comment: In summary, the available evidence is currently insufficient to determine the role of this variant in disease. Therefore, it has been classified as a Variant of Uncertain Significance. This sequence change replaces serine with tyrosine at codon 1256 of the FLNA protein (p.Ser1256Tyr). The serine residue is highly conserved and there is a large physicochemical difference between serine and tyrosine. This variant is not present in population databases (ExAC no frequency). This variant has not been reported in the literature in individuals with FLNA-related conditions. Algorithms developed to predict the effect of missense changes on protein structure and function are either unavailable or do not agree on the potential impact of this missense change (SIFT: "Deleterious"; PolyPhen-2: "Probably Damaging"; Align-GVGD: "Class C15").

NM_001110556.2(FLNA):c.3767C>A (p.Ser1256Tyr)

Gene: FLNA (filamin A; minus strand). Cytogenetic location: Xq28.
Variant type: single nucleotide variant.
Coding change: c.3767C>A on transcript NM_001110556.2 (MANE Select); coding-DNA position 3767, C replaced by A.
Protein change: p.Ser1256Tyr; replaces serine 1256 with tyrosine.
Molecular consequence: missense variant.
Genome position (GRCh38, 1-based): chrX:154,360,028, G>T on the plus strand (C>A on the coding strand, the complement: FLNA is on the minus strand). VCF-style: chrX-154360028-G-T. GRCh37 (hg19) VCF-style: chrX-153588396-G-T.
Other names: c.3767C>A, p.Ser1256Tyr (NM_001456.4); short protein forms S1256Y.
Identifiers: ClinVar variation 840079 (VCV000840079.10), dbSNP rs1557177666, ClinGen allele CA415222674.
Genomic context (GRCh38, chrX:154,360,028, plus strand): 5'-ACCCCACGGCAGGGCAACTCACCCTGGCCCTCAATACCAGGCCCATAGCACTGGACACCG[G>T]AAGTGTCCACCGCAGGTTCCACCTGCAGCTTGCTGGGGAAGTTGGGCACGGGCTGGCCGC-3'
Protein context (NP_001104026.1, residues 1246-1266): KLQVEPAVDT[Ser1256Tyr]GVQCYGPGIE